The following is an entry in ClinVar:

ClinVar aggregate classification (germline): Uncertain significance (1 of 4 stars; one submission).

Conditions:
Hereditary cancer-predisposing syndrome. Also called: Neoplastic Syndromes, Hereditary; Tumor predisposition; Hereditary Cancer Syndrome; Hereditary neoplastic syndrome. Identifiers: Orphanet 140162, MedGen C0027672, MeSH D009386, MONDO:0015356.

Submission:

Ambry Genetics
Classification: Uncertain significance for Hereditary cancer-predisposing syndrome. Last evaluated: 2025-09-29. Review status: criteria provided, single submitter. Criteria: Ambry Variant Classification Scheme 2023. Collection method: clinical testing. Allele origin: germline.
Comment: The c.1817+4G>A intronic variant results from a G to A substitution 4 nucleotides after coding exon 9 in the ALK gene. This nucleotide position is not well conserved in available vertebrate species. In silico splice site analysis predicts that this alteration will not have any significant effect on splicing. Based on the available evidence, the clinical significance of this variant remains unclear.

NM_004304.5(ALK):c.1817+4G>A

Gene: ALK (ALK receptor tyrosine kinase; minus strand). Cytogenetic location: 2p23.2.
Variant type: single nucleotide variant.
Coding change: c.1817+4G>A on transcript NM_004304.5 (MANE Select); 4 bases into the intron after coding-DNA position 1817, G replaced by A.
Molecular consequence: intron variant.
Genome position (GRCh38, 1-based): chr2:29,296,884, C>T on the plus strand (G>A on the coding strand, the complement: ALK is on the minus strand). VCF-style: chr2-29296884-C-T. GRCh37 (hg19) VCF-style: chr2-29519750-C-T.
Identifiers: ClinVar variation 4660558 (VCV004660558.1).